The following is an entry in ClinVar:

ClinVar aggregate classification (germline): Uncertain significance (1 of 4 stars; one submission).

Conditions:
DK1-congenital disorder of glycosylation. Also called: DOLK-congenital disorder of glycosylation; Carbohydrate deficient glycoprotein syndrome type 1m; CDG Im; DK1 DEFICIENCY; DOLICHOL KINASE DEFICIENCY; DK1-CDG. Identifiers: Orphanet 91131, MedGen C1835849, MONDO:0012556, OMIM 610768.

Submission:

Labcorp Genetics (formerly Invitae), Labcorp
Classification: Uncertain significance for Congenital disorder of glycosylation type 1M. Last evaluated: 2019-10-07. Review status: criteria provided, single submitter. Criteria: Invitae Variant Classification Sherloc (09022015). Collection method: clinical testing. Allele origin: germline.
Comment: This variant results in a copy number gain of the genomic region encompassing the full coding sequence of the DOLK gene. The boundaries of this event are unknown as they extend beyond the assayed region for this gene and therefore may encompass additional genes. As the precise location of this event is unknown, it may be in tandem or it may be located elsewhere in the genome. This variant has not been reported in the literature in individuals with DOLK-related conditions. Experimental studies and prediction algorithms are not available or were not evaluated, and the functional significance of this variant is currently unknown. In summary, the available evidence is currently insufficient to determine the role of this variant in disease. Therefore, it has been classified as a Variant of Uncertain Significance.

NC_000009.12:g.(?_128945677)_(128947313_?)dup

Gene: DOLK (dolichol kinase; minus strand). Cytogenetic location: 9q34.11.
Variant type: Duplication.
Identifiers: ClinVar variation 833074 (VCV000833074.2).